The following is an entry in ClinVar:

NM_001356.5(DDX3X):c.1045G>A (p.Ala349Thr)

Gene: DDX3X (DEAD-box helicase 3 X-linked; plus strand). Cytogenetic location: Xp11.4.
Variant type: single nucleotide variant.
Coding change: c.1045G>A on transcript NM_001356.5 (MANE Select); coding-DNA position 1045, G replaced by A.
Protein change: p.Ala349Thr; replaces alanine 349 with threonine.
Molecular consequence: missense variant. On other transcripts: non-coding transcript variant (1).
Genome position (GRCh38, 1-based): chrX:41,345,199, G>A. VCF-style: chrX-41345199-G-A. GRCh37 (hg19) VCF-style: chrX-41204452-G-A.
Other names: c.1045G>A (NM_001193416.1); c.1045G>A, p.Ala349Thr (NM_001193416.3); c.997G>A, p.Ala333Thr (NM_001193417.3); c.487G>A, p.Ala163Thr (NM_001363819.1); short protein forms A163T, A333T, A349T.
Identifiers: ClinVar variation 2663764 (VCV002663764.2), dbSNP rs2519518456, ClinGen allele CA412771264.
Genomic context (GRCh38, chrX:41,345,199, plus strand): 5'-AAATTCTAAACTCAGGCTTGTTTTTTTTCATGACATGACAGATACTTGGTGTTAGATGAA[G>A]CTGATCGGATGTTGGATATGGGGTTTGAGCCTCAGATTCGTAGAATAGTCGAACAAGATA-3'
Protein context (NP_001347.3, residues 339-359): DFCKYLVLDE[Ala349Thr]DRMLDMGFEP

ClinVar aggregate classification (germline): Pathogenic/Likely pathogenic. Review status: criteria provided, multiple submitters, no conflicts (2 of 4 stars). 2 submissions from 2 submitters: Pathogenic (1); Likely pathogenic (1). Last evaluated 2024-11-11.

Conditions:
Intellectual disability, X-linked 102 (MRXSSB). Also called: Intellectual developmental disorder, X-linked syndromic, Snijders Blok type. Identifiers: Orphanet 457260, MedGen C5393299, MONDO:0010497, OMIM 300958.

Submissions (2):

GeneDx
Classification: Pathogenic. Last evaluated: 2024-11-11. Review status: criteria provided, single submitter. Criteria: GeneDx Variant Classification Process June 2021. Collection method: clinical testing. Allele origin: germline. Affected: yes.
Comment: Not observed at significant frequency in large population cohorts (gnomAD); In silico analysis supports that this missense variant has a deleterious effect on protein structure/function; This variant is associated with the following publications: (PMID: 38177409)

DECIPHERD-UDD, Universidad del Desarrollo
Classification: Likely pathogenic for Intellectual disability, X-linked 102. Last evaluated: 2023-07-01. Review status: criteria provided, single submitter. Criteria: ACMG Guidelines, 2015. Collection method: research. Allele origin: de novo. Affected: yes.

Literature cited by the submitters: PubMed 38177409 (cited by DECIPHERD-UDD, Universidad del Desarrollo).